The following is an entry in ClinVar:

NM_000518.5(HBB):c.1A>C (p.Met1Leu)

Genes: HBB (hemoglobin subunit beta; minus strand), LOC106099062 (HBB recombination region; plus strand), LOC107133510 (origin of replication at HBB; plus strand). Cytogenetic location: 11p15.4.
Variant type: single nucleotide variant.
Coding change: c.1A>C on transcript NM_000518.5 (MANE Select); coding-DNA position 1, A replaced by C.
Protein change: p.Met1Leu; changes the start codon (methionine 1).
Molecular consequence: missense variant, initiator codon variant.
Genome position (GRCh38, 1-based): chr11:5,227,021, T>G on the plus strand (A>C on the coding strand, the complement: HBB is on the minus strand). VCF-style: chr11-5227021-T-G. GRCh37 (hg19) VCF-style: chr11-5248251-T-G.
Other names: Init CD ATG>CTG; c.1A>C (NM_000518.4); short protein forms M1L.
Identifiers: ClinVar variation 869231 (VCV000869231.12), dbSNP rs34563000, ClinGen allele CA379275050.

ClinVar aggregate classification (germline): Pathogenic/Likely pathogenic. Review status: criteria provided, multiple submitters, no conflicts (2 of 4 stars). 3 submissions from 3 submitters: Pathogenic (1); Likely pathogenic (1). 1 of the submissions does not count toward it. Last evaluated 2025-03-31.

Conditions:
beta Thalassemia (BTHAL). Also called: Cooley's anemia; Erythroblastic anemia; Mediterranean anemia. Identifiers: Orphanet 848, MedGen C0005283, MONDO:0019402. Disease mechanism: loss of function.

Allele frequency attached by ClinVar (database versions not stated): gnomAD exomes below 0.00001.

Submissions (3):

Women's Health and Genetics/Laboratory Corporation of America, LabCorp
Classification: Likely pathogenic for beta Thalassemia. Last evaluated: 2025-03-31. Review status: criteria provided, single submitter. Criteria: LabCorp Variant Classification Summary - May 2015. Collection method: clinical testing. Allele origin: germline.
Comment: Variant summary: HBB c.1A>C (p.Met1Leu) alters the initiation codon and is predicted to result either in absence of the protein or truncation of the encoded protein due to translation initiation at a downstream codon. The next available downstream ATG codon, located at codons 21-22, would result in a frameshift leading to premature termination of translation at codons 60-61, likely resulting in a missing/non-functional protein product (Knott_2006). Alternatively, activation of the next downstream in-frame start codon (Met56) would result in a shortened protein missing the first 55 amino acids from the protein sequence. Two of four in-silico tools predict a benign effect of the variant on protein function. The variant was absent in 251128 control chromosomes. c.1A>C has been reported in the literature in the heterozygous state in at least two individuals presenting with beta-thalassemia minor/intermedia (e.g. Knott_2006, Rizo_2021). Thus, it is expected that in homozygosity and/or compound heterozygosity, this variant is likely to cause beta-thalassemia major phenotype. To our knowledge, no experimental evidence demonstrating an impact on protein function has been reported. However, missense mutation of the initiation codon is widely regarded as deleterious (p.Met1Val, p.Met1Thr, p.Met1Ile, and p.Met1Arg are internally classified as pathogenic). Thus, in the HBB gene, other changes in the initiation codon are expected to cause severe beta-thalassemia disease. The following publications have been ascertained in the context of this evaluation (PMID: 16466947, 31476942, 33734896). ClinVar contains an entry for this variant (Variation ID: 869231). Based on the evidence outlined above, the variant was classified as likely pathogenic.

ARUP Laboratories, Molecular Genetics and Genomics, ARUP Laboratories
Classification: Pathogenic. Last evaluated: 2019-08-15. Review status: criteria provided, single submitter. Criteria: ARUP Molecular Germline Variant Investigation Process. Collection method: clinical testing. Allele origin: germline.
Comment: The HBB c.1A>C; p.Met1? variant is reported in the literature in an individual affected with microcytic anemia and diagnosed as a beta-thalassemia carrier (Knott 2006). This variant is absent from general population databases (Exome Variant Server, Genome Aggregation Database), indicating it is not a common polymorphism. This variant disrupts the canonical translation initiation codon and is predicted to result in an aberrant or absent protein. Other variants that affect the HBB initiation codon have been reported in individuals with beta-thalassemia or microcytic anemia and are considered pathogenic (HbVar database and references therein). Based on available information, the c.1A>C variant is considered to be pathogenic. References: Link to HbVar database: Knott M et al. Novel and Mediterranean beta thalassemia mutations in the indigenous Northern Ireland population. Blood Cells Mol Dis. 2006 Mar-Apr;36(2):265-8.

The ITHANET community portal, The Cyprus Institute of Neurology and Genetics
Classification: Pathogenic for beta Thalassemia. Last evaluated: 2019-11-25. Review status: no assertion criteria provided. Collection method: curation. Allele origin: germline. Not counted in ClinVar's aggregate classification.

Literature cited by the submitters: PubMed 16466947 (cited by Women's Health and Genetics/Laboratory Corporation of America, LabCorp and The ITHANET community portal, The Cyprus Institute of Neurology and Genetics); PubMed 31476942 (cited by Women's Health and Genetics/Laboratory Corporation of America, LabCorp); PubMed 33734896 (cited by Women's Health and Genetics/Laboratory Corporation of America, LabCorp).